The following is an entry in ClinVar:

ClinVar aggregate classification (germline): Likely benign. Review status: criteria provided, multiple submitters, no conflicts (2 of 4 stars). 2 submissions from 2 submitters: Likely benign (2). Last evaluated 2025-01-13.

Conditions:
Pyruvate carboxylase deficiency. Also called: Pyruvate Carboxylase Deficiency Disease; ATAXIA WITH LACTIC ACIDOSIS II; LEIGH NECROTIZING ENCEPHALOPATHY DUE TO PYRUVATE CARBOXYLASE DEFICIENCY; LEIGH SYNDROME DUE TO PYRUVATE CARBOXYLASE DEFICIENCY; PC DEFICIENCY. Identifiers: Orphanet 3008, MedGen C0034341, MONDO:0009949, OMIM 266150.

Allele frequency attached by ClinVar (database versions not stated): TOPMed below 0.00001; ExAC 0.00001; gnomAD exomes 0.00001.
gnomAD v4.1: 8 of 1,608,542 alleles (0.0005%); highest among the groups gnomAD compares: South Asian, 0.0066%; no homozygotes.

Submissions (2):

Labcorp Genetics (formerly Invitae), Labcorp
Classification: Likely benign for Pyruvate carboxylase deficiency. Last evaluated: 2025-01-13. Review status: criteria provided, single submitter. Criteria: Invitae Variant Classification Sherloc (09022015). Collection method: clinical testing. Allele origin: germline.

GeneDx
Classification: Likely benign. Last evaluated: 2016-11-02. Review status: criteria provided, single submitter. Criteria: GeneDx Variant Classification (06012015). Collection method: clinical testing. Allele origin: germline. Affected: yes.
Comment: This variant is considered likely benign or benign based on one or more of the following criteria: it is a conservative change, it occurs at a poorly conserved position in the protein, it is predicted to be benign by multiple in silico algorithms, and/or has population frequency not consistent with disease.

NM_001040716.2(PC):c.159C>T (p.Phe53=)

Gene: PC (pyruvate carboxylase; minus strand). Cytogenetic location: 11q13.2.
Variant type: single nucleotide variant.
Coding change: c.159C>T on transcript NM_001040716.2 (MANE Select); coding-DNA position 159, C replaced by T.
Protein change: p.Phe53=; no amino-acid change (phenylalanine 53 retained).
Molecular consequence: synonymous variant.
Genome position (GRCh38, 1-based): chr11:66,871,849, G>A on the plus strand (C>T on the coding strand, the complement: PC is on the minus strand). VCF-style: chr11-66871849-G-A. GRCh37 (hg19) VCF-style: chr11-66639320-G-A.
Other names: c.159C>T, p.Phe53= (NM_000920.4, NM_022172.3).
Identifiers: ClinVar variation 390284 (VCV000390284.9), dbSNP rs749641310, ClinGen allele CA6132284.